The following is an entry in ClinVar:

NM_006509.4(RELB):c.286G>C (p.Gly96Arg)

Gene: RELB (RELB proto-oncogene, NF-kB subunit; plus strand). Cytogenetic location: 19q13.32.
Variant type: single nucleotide variant.
Coding change: c.286G>C on transcript NM_006509.4 (MANE Select); coding-DNA position 286, G replaced by C.
Protein change: p.Gly96Arg; replaces glycine 96 with arginine.
Molecular consequence: missense variant.
Genome position (GRCh38, 1-based): chr19:45,012,058, G>C. VCF-style: chr19-45012058-G-C. GRCh37 (hg19) VCF-style: chr19-45515316-G-C.
Other names: c.277G>C, p.Gly93Arg (NM_001411087.1); short protein forms G93R, G96R.
Identifiers: ClinVar variation 3678841 (VCV003678841.2).
Genomic context (GRCh38, chr19:45,012,058, plus strand): 5'-GGCGAGGGGCTGCCACGCCTGGTGTCTCGCGGGGCTGCGTCCCTGAGCACGGTCACCCTG[G>C]GCCCTGTGGCGCCCCCAGCCACGCCGCCGCCTTGGGGCTGCCCCCTGGGCCGACTAGTGT-3'
Protein context (NP_006500.2, residues 86-106): GAASLSTVTL[Gly96Arg]PVAPPATPPP

ClinVar aggregate classification (germline): Uncertain significance (1 of 4 stars; one submission).

gnomAD v4.1: 4 of 1,558,482 alleles (0.00026%); highest among the groups gnomAD compares: Non-Finnish European, 0.00035%; no homozygotes.

Submission:

Labcorp Genetics (formerly Invitae), Labcorp
Classification: Uncertain significance. Last evaluated: 2025-11-23. Review status: criteria provided, single submitter. Criteria: Invitae Variant Classification Sherloc (09022015). Collection method: clinical testing. Allele origin: germline.
Comment: This sequence change replaces glycine, which is neutral and non-polar, with arginine, which is basic and polar, at codon 96 of the RELB protein (p.Gly96Arg). This variant is present in population databases (no rsID available, gnomAD 0.005%). This variant has not been reported in the literature in individuals affected with RELB-related conditions. ClinVar contains an entry for this variant (Variation ID: 3678841). An algorithm developed to predict the effect of missense changes on protein structure and function (PolyPhen-2) suggests that this variant is likely to be disruptive. In summary, the available evidence is currently insufficient to determine the role of this variant in disease. Therefore, it has been classified as a Variant of Uncertain Significance.